The following is an entry in ClinVar:

ClinVar aggregate classification (germline): Uncertain significance (1 of 4 stars; one submission).

Conditions:
CEP295-related condition.

Submission:

PreventionGenetics, part of Exact Sciences
Classification: Uncertain significance for CEP295-related condition. Last evaluated: 2026-05-08. Review status: criteria provided, single submitter. Criteria: ACMG Guidelines, 2015. Collection method: clinical testing. Allele origin: germline.
Comment: The CEP295 c.7695dupA variant is predicted to result in a frameshift and premature protein termination (p.Gln2566Thrfs*24). To our knowledge, this variant has not been reported in the literature or in a large population database (gnomAD), indicating this variant is rare. Although we suspect that this variant may be pathogenic, at this time, the clinical significance of this variant is uncertain due to the absence of conclusive functional and genetic evidence.

NM_033395.2(CEP295):c.7695dup (p.Gln2566fs)

Gene: CEP295 (centrosomal protein 295; plus strand). Cytogenetic location: 11q21.
Variant type: Duplication.
Coding change: c.7695dup on transcript NM_033395.2 (MANE Select); coding-DNA position 7695, one base duplicated (A; older notation c.7695dupA).
Protein change: p.Gln2566fs; shifts the reading frame from glutamine 2566.
Molecular consequence: frameshift variant.
Genome position (GRCh38, 1-based): chr11:93,730,076, A duplicated; the last of 3 consecutive A bases (chr11:93,730,074-93,730,076); duplicating any one gives the same sequence. VCF-style (leftmost placement, unchanged base first): chr11-93730073-G-GA. GRCh37 (hg19) VCF-style: chr11-93463239-G-GA.
Other names: short protein forms Q2566fs.
Identifiers: ClinVar variation 4995467 (VCV004995467.1).